The following is an entry in ClinVar:

ClinVar aggregate classification (germline): Uncertain significance (1 of 4 stars; one submission).

Allele frequency attached by ClinVar (database versions not stated): TOPMed below 0.00001; gnomAD 0.00001.
gnomAD v4.1: 1 of 1,605,380 alleles (0.000062%); highest among the groups gnomAD compares: African/African-American, 0.0013%; no homozygotes.

Submission:

GeneDx
Classification: Uncertain significance. Last evaluated: 2020-01-07. Review status: criteria provided, single submitter. Criteria: GeneDx Variant Classification Process June 2021. Collection method: clinical testing. Allele origin: germline. Affected: yes.
Comment: Not observed in large population cohorts (Lek et al., 2016); In silico analysis, which includes protein predictors and evolutionary conservation, supports a deleterious effect; Has not been previously published as pathogenic or benign to our knowledge; Variants in candidate genes are classified as variants of uncertain significance in accordance with ACMG guidelines (Richards et al., 2015)

NM_014232.3(VAMP2):c.38C>T (p.Pro13Leu)

Genes: VAMP2 (vesicle associated membrane protein 2; minus strand), LOC130060218 (ATAC-STARR-seq lymphoblastoid silent region 8166; plus strand). Cytogenetic location: 17p13.1.
Variant type: single nucleotide variant.
Coding change: c.38C>T on transcript NM_014232.3 (MANE Select); coding-DNA position 38, C replaced by T.
Protein change: p.Pro13Leu; replaces proline 13 with leucine.
Molecular consequence: missense variant.
Genome position (GRCh38, 1-based): chr17:8,162,334, G>A on the plus strand (C>T on the coding strand, the complement: VAMP2 is on the minus strand). VCF-style: chr17-8162334-G-A. GRCh37 (hg19) VCF-style: chr17-8065652-G-A.
Other names: c.44C>T, p.Pro15Leu (NM_001330125.1); short protein forms P13L, P15L.
Identifiers: ClinVar variation 1310702 (VCV001310702.2), dbSNP rs987219719, ClinGen allele CA287516095.